The following is an entry in ClinVar:

ClinVar aggregate classification (germline): Pathogenic (1 of 4 stars; one submission).

Conditions:
Gorlin syndrome. Also called: Nevoid Basal Cell Carcinoma Syndrome; Basal cell nevus syndrome. Identifiers: Orphanet 377, MedGen C0004779, MONDO:0007187.

Submission:

Labcorp Genetics (formerly Invitae), Labcorp
Classification: Pathogenic for Gorlin syndrome. Last evaluated: 2020-02-11. Review status: criteria provided, single submitter. Criteria: Invitae Variant Classification Sherloc (09022015). Collection method: clinical testing. Allele origin: germline.
Comment: A gross deletion of the genomic region encompassing the full coding sequence of the PTCH1 gene has been identified. The boundaries of this event are unknown as the deletion extends beyond the assayed region for this gene and therefore may encompass additional genes. Similar deletions of the full coding sequence have been observed in individuals affected with Gorlin syndrome (PMID: 22382802, 17703323). Loss-of-function variants in PTCH1 are known to be pathogenic (PMID: 16301862, 16419085). For these reasons, this variant has been classified as Pathogenic.

Literature cited by the submitters: PubMed 22382802; PubMed 17703323; PubMed 16301862; PubMed 16419085.

NC_000009.11:g.(?_98204264)_(98271831_?)del

Gene: PTCH1 (patched 1; minus strand). Cytogenetic location: 9q22.32.
Variant type: Deletion.
Identifiers: ClinVar variation 1071963 (VCV001071963.2).